The following is an entry in ClinVar:

ClinVar aggregate classification (germline): Uncertain significance. Review status: criteria provided, multiple submitters, no conflicts (2 of 4 stars). 5 submissions from 5 submitters: Uncertain significance (5). Last evaluated 2025-07-12.

Conditions:
Familial cancer of breast. Also called: hereditary breast carcinoma; BREAST CANCER, FAMILIAL; Hereditary breast cancer. Identifiers: Orphanet 227535, MedGen C0346153, MONDO:0016419, OMIM 114480. Disease mechanism: loss of function.
Hereditary cancer-predisposing syndrome. Also called: Tumor predisposition; Hereditary Cancer Syndrome; Hereditary neoplastic syndrome; Neoplastic Syndromes, Hereditary. Identifiers: Orphanet 140162, MedGen C0027672, MeSH D009386, MONDO:0015356.
Ataxia-telangiectasia syndrome (AT). Also called: Ataxia telangiectasia (A-T); LOUIS-BAR SYNDROME; Cerebello-oculocutaneous telangiectasia; Immunodeficiency with ataxia telangiectasia; ATAXIA-TELANGIECTASIA, COMPLEMENTATION GROUP A; ATAXIA-TELANGIECTASIA, FRESNO VARIANT. Identifiers: Orphanet 100, MedGen C0004135, MONDO:0008840, OMIM 208900.

Allele frequency attached by ClinVar (database versions not stated): gnomAD 0.00001.
gnomAD v4.1: 4 of 1,613,538 alleles (0.00025%); highest among the groups gnomAD compares: African/African-American, 0.0013%; no homozygotes.

Submissions (5):

Ambry Genetics
Classification: Uncertain significance for Hereditary cancer-predisposing syndrome. Last evaluated: 2025-07-12. Review status: criteria provided, single submitter. Criteria: Ambry Variant Classification Scheme 2023. Collection method: clinical testing. Allele origin: germline.
Comment: The p.I326T variant (also known as c.977T>C), located in coding exon 7 of the ATM gene, results from a T to C substitution at nucleotide position 977. The isoleucine at codon 326 is replaced by threonine, an amino acid with similar properties. This alteration has been reported in a cohort of 488 patients with stages I to III breast cancer who were tested with a 25-gene panel test (Tung N et al. J. Clin. Oncol., 2016 May;34:1460-8). This amino acid position is well conserved in available vertebrate species. In addition, the in silico prediction for this alteration is inconclusive. Since supporting evidence is limited at this time, the clinical significance of this alteration remains unclear.

Labcorp Genetics (formerly Invitae), Labcorp
Classification: Uncertain significance for Ataxia-telangiectasia syndrome. Last evaluated: 2025-06-23. Review status: criteria provided, single submitter. Criteria: Invitae Variant Classification Sherloc (09022015). Collection method: clinical testing. Allele origin: germline.
Comment: This sequence change replaces isoleucine, which is neutral and non-polar, with threonine, which is neutral and polar, at codon 326 of the ATM protein (p.Ile326Thr). This variant is present in population databases (no rsID available, gnomAD 0.004%). This missense change has been observed in individual(s) with breast cancer and/or pancreatic cancer (PMID: 26976419, 35171259). ClinVar contains an entry for this variant (Variation ID: 233276). Invitae Evidence Modeling of protein sequence and biophysical properties (such as structural, functional, and spatial information, amino acid conservation, physicochemical variation, residue mobility, and thermodynamic stability) indicates that this missense variant is not expected to disrupt ATM protein function with a negative predictive value of 95%. In summary, the available evidence is currently insufficient to determine the role of this variant in disease. Therefore, it has been classified as a Variant of Uncertain Significance.

Baylor Genetics
Classification: Uncertain significance for Familial cancer of breast. Last evaluated: 2022-12-10. Review status: criteria provided, single submitter. Criteria: ACMG Guidelines, 2015. Collection method: clinical testing. Allele origin: unknown.

Athena Diagnostics
Classification: Uncertain significance. Last evaluated: 2021-04-19. Review status: criteria provided, single submitter. Criteria: Athena Diagnostics criteria. Collection method: clinical testing. Allele origin: unknown.

Color Diagnostics, LLC DBA Color Health
Classification: Uncertain significance for Hereditary cancer-predisposing syndrome. Last evaluated: 2018-12-12. Review status: criteria provided, single submitter. Criteria: ACMG Guidelines, 2015. Collection method: clinical testing. Allele origin: germline.

Literature cited by the submitters: PubMed 26976419 (cited by 3 submitters); PubMed 35171259 (cited by Labcorp Genetics (formerly Invitae), Labcorp).

NM_000051.4(ATM):c.977T>C (p.Ile326Thr)

Gene: ATM (ATM serine/threonine kinase; plus strand). Cytogenetic location: 11q22.3.
Variant type: single nucleotide variant.
Coding change: c.977T>C on transcript NM_000051.4 (MANE Select); coding-DNA position 977, T replaced by C.
Protein change: p.Ile326Thr; replaces isoleucine 326 with threonine.
Molecular consequence: missense variant.
Genome position (GRCh38, 1-based): chr11:108,247,039, T>C. VCF-style: chr11-108247039-T-C. GRCh37 (hg19) VCF-style: chr11-108117766-T-C.
Other names: c.977T>C, p.Ile326Thr (NM_001351834.2); short protein forms I326T.
Identifiers: ClinVar variation 233276 (VCV000233276.21), dbSNP rs768720856, ClinGen allele CA10578986.
Genomic context (GRCh38, chr11:108,247,039, plus strand): 5'-CAAAATGGAGAAGTATTTTATACAACTTATATGATCTGCTAGTGAATGAGATAAGTCATA[T>C]AGGAAGTAGAGGAAAGTATTCTTCAGGATTTCGTAATATTGCCGTCAAAGAAAATTTGAT-3'
Protein context (NP_000042.3, residues 316-336): YDLLVNEISH[Ile326Thr]GSRGKYSSGF